The following is an entry in ClinVar:

ClinVar aggregate classification (germline): Uncertain significance (1 of 4 stars; one submission).

Conditions:
Congenital disorder of glycosylation, type Ii. Also called: CDG Ii; ALG2-CDG; ALG2-congenital disorder of glycosylation. Identifiers: Orphanet 79326, MedGen C1842836, MONDO:0011933, OMIM 607906.
Congenital myasthenic syndrome 14. Also called: Myasthenic syndrome, congenital, 14, with tubular aggregates. Identifiers: Orphanet 353327, Orphanet 590, MedGen C4015597, MONDO:0014543, OMIM 616228.

Allele frequency attached by ClinVar (database versions not stated): ExAC 0.00002; gnomAD exomes 0.00001.

Submission:

Labcorp Genetics (formerly Invitae), Labcorp
Classification: Uncertain significance for Congenital disorder of glycosylation, type Ii; Congenital myasthenic syndrome 14. Last evaluated: 2022-05-19. Review status: criteria provided, single submitter. Criteria: Invitae Variant Classification Sherloc (09022015). Collection method: clinical testing. Allele origin: germline.
Comment: This sequence change replaces alanine, which is neutral and non-polar, with valine, which is neutral and non-polar, at codon 2 of the ALG2 protein (p.Ala2Val). The frequency data for this variant in the population databases is considered unreliable, as metrics indicate poor data quality at this position in the gnomAD database. This variant has not been reported in the literature in individuals affected with ALG2-related conditions. Algorithms developed to predict the effect of missense changes on protein structure and function output the following: SIFT: "Deleterious"; PolyPhen-2: "Benign"; Align-GVGD: "Class C0". The valine amino acid residue is found in multiple mammalian species, which suggests that this missense change does not adversely affect protein function. In summary, the available evidence is currently insufficient to determine the role of this variant in disease. Therefore, it has been classified as a Variant of Uncertain Significance.

NM_033087.4(ALG2):c.5C>T (p.Ala2Val)

Gene: ALG2 (ALG2 alpha-1,3/1,6-mannosyltransferase; minus strand). Cytogenetic location: 9q22.33.
Variant type: single nucleotide variant.
Coding change: c.5C>T on transcript NM_033087.4 (MANE Select); coding-DNA position 5, C replaced by T.
Protein change: p.Ala2Val; replaces alanine 2 with valine.
Molecular consequence: missense variant. On other transcripts: non-coding transcript variant (1).
Genome position (GRCh38, 1-based): chr9:99,221,890, G>A on the plus strand (C>T on the coding strand, the complement: ALG2 is on the minus strand). VCF-style: chr9-99221890-G-A. GRCh37 (hg19) VCF-style: chr9-101984172-G-A.
Other names: short protein forms A2V.
Identifiers: ClinVar variation 2047376 (VCV002047376.4), dbSNP rs751348236, ClinGen allele CA5156517.